The following is an entry in ClinVar:

ClinVar aggregate classification (germline): Uncertain significance. Review status: criteria provided, multiple submitters, no conflicts (2 of 4 stars). 3 submissions from 3 submitters: Uncertain significance (3). Last evaluated 2025-02-06.

Conditions:
Inborn genetic diseases. Identifiers: MedGen C0950123, MeSH D030342.

Allele frequency attached by ClinVar (database versions not stated): ExAC 0.00002; gnomAD exomes 0.00003 and 0.00004; TOPMed 0.00003; gnomAD 0.00004; ESP Exome Variant Server 0.00008.
gnomAD v4.1: 66 of 1,612,804 alleles (0.0041%); highest among the groups gnomAD compares: African/African-American, 0.0067%; no homozygotes.

Submissions (3):

Ambry Genetics
Classification: Uncertain significance for Inborn genetic diseases. Last evaluated: 2025-02-06. Review status: criteria provided, single submitter. Criteria: Ambry Variant Classification Scheme 2023. Collection method: clinical testing. Allele origin: germline.

Labcorp Genetics (formerly Invitae), Labcorp
Classification: Uncertain significance. Last evaluated: 2024-06-26. Review status: criteria provided, single submitter. Criteria: Invitae Variant Classification Sherloc (09022015). Collection method: clinical testing. Allele origin: germline.
Comment: This sequence change replaces alanine, which is neutral and non-polar, with threonine, which is neutral and polar, at codon 730 of the CACNA2D4 protein (p.Ala730Thr). This variant is present in population databases (rs368331985, gnomAD 0.008%). This variant has not been reported in the literature in individuals affected with CACNA2D4-related conditions. ClinVar contains an entry for this variant (Variation ID: 1052306). An algorithm developed to predict the effect of missense changes on protein structure and function (PolyPhen-2) suggests that this variant is likely to be disruptive. In summary, the available evidence is currently insufficient to determine the role of this variant in disease. Therefore, it has been classified as a Variant of Uncertain Significance.

Blueprint Genetics
Classification: Uncertain significance. Last evaluated: 2024-01-10. Review status: criteria provided, single submitter. Criteria: ACMG Guidelines, 2015. Collection method: clinical testing. Allele origin: germline.

NM_172364.5(CACNA2D4):c.2188G>A (p.Ala730Thr)

Gene: CACNA2D4 (calcium voltage-gated channel auxiliary subunit alpha2delta 4; minus strand). Cytogenetic location: 12p13.33.
Variant type: single nucleotide variant.
Coding change: c.2188G>A on transcript NM_172364.5 (MANE Select); coding-DNA position 2188, G replaced by A.
Protein change: p.Ala730Thr; replaces alanine 730 with threonine.
Molecular consequence: missense variant.
Genome position (GRCh38, 1-based): chr12:1,854,009, C>T on the plus strand (G>A on the coding strand, the complement: CACNA2D4 is on the minus strand). VCF-style: chr12-1854009-C-T. GRCh37 (hg19) VCF-style: chr12-1963175-C-T.
Other names: c.2188G>A (NM_172364.4); short protein forms A730T.
Identifiers: ClinVar variation 1052306 (VCV001052306.9), dbSNP rs368331985, ClinGen allele CA6386806.